The following is an entry in ClinVar:

ClinVar aggregate classification (germline): Pathogenic/Likely pathogenic. Review status: criteria provided, multiple submitters, no conflicts (2 of 4 stars). 2 submissions from 2 submitters: Pathogenic (1); Likely pathogenic (1). Last evaluated 2024-11-13.

Conditions:
Asphyxiating thoracic dystrophy 3. Also called: Short rib polydactyly syndrome 2B; SHORT-RIB THORACIC DYSPLASIA 3 WITH OR WITHOUT POLYDACTYLY; POLYDACTYLY WITH NEONATAL CHONDRODYSTROPHY, TYPE I; SHORT-RIB THORACIC DYSPLASIA 3/6 WITH POLYDACTYLY, DIGENIC; Saldino-Noonan Syndrome. Identifiers: Orphanet 474, Orphanet 93269, Orphanet 93270, Orphanet 93271, MedGen C0036069, MONDO:0013127, OMIM 613091.

Submissions (2):

Myriad Genetics, Inc.
Classification: Pathogenic for Asphyxiating thoracic dystrophy 3. Last evaluated: 2024-11-13. Review status: criteria provided, single submitter. Criteria: Myriad Autosomal Dominant, Autosomal Recessive and X-Linked Classification Criteria (2023). Collection method: clinical testing. Allele origin: unknown.
Comment: NM_001377.2(DYNC2H1):c.2721T>A(C907*) is expected to be pathogenic in the context of DYNC2H1-related disorders. This variant is predicted to lead to an abnormal or absent protein product due to the creation of a premature termination codon in DYNC2H1, a gene where loss-of-function variants are known to be pathogenic. Please note: this variant was assessed in the context of healthy population screening.

Fulgent Genetics
Classification: Likely pathogenic for Asphyxiating thoracic dystrophy 3. Last evaluated: 2024-06-13. Review status: criteria provided, single submitter. Criteria: ACMG Guidelines, 2015. Collection method: clinical testing. Allele origin: germline.

NM_001377.3(DYNC2H1):c.2721T>A (p.Cys907Ter)

Gene: DYNC2H1 (dynein cytoplasmic 2 heavy chain 1; plus strand). Cytogenetic location: 11q22.3.
Variant type: single nucleotide variant.
Coding change: c.2721T>A on transcript NM_001377.3 (MANE Select); coding-DNA position 2721, T replaced by A.
Protein change: p.Cys907Ter; replaces cysteine 907 with a stop codon.
Molecular consequence: nonsense.
Genome position (GRCh38, 1-based): chr11:103,147,790, T>A. VCF-style: chr11-103147790-T-A. GRCh37 (hg19) VCF-style: chr11-103018519-T-A.
Other names: c.2721T>A, p.Cys907Ter (NM_001080463.2); short protein forms C907*.
Identifiers: ClinVar variation 3598865 (VCV003598865.2).